The following is an entry in ClinVar:

ClinVar aggregate classification (germline): Uncertain significance. Review status: criteria provided, multiple submitters, no conflicts (2 of 4 stars). 2 submissions from 2 submitters: Uncertain significance (2). Last evaluated 2024-02-15.

Conditions:
Ataxia-telangiectasia syndrome (AT). Also called: LOUIS-BAR SYNDROME; Cerebello-oculocutaneous telangiectasia; Immunodeficiency with ataxia telangiectasia; Ataxia-telangiectasia, complementation group D; AT, COMPLEMENTATION GROUP C; ATAXIA-TELANGIECTASIA, COMPLEMENTATION GROUP A. Identifiers: Orphanet 100, MedGen C0004135, MONDO:0008840, OMIM 208900.
Hereditary cancer-predisposing syndrome. Also called: Neoplastic Syndromes, Hereditary; Tumor predisposition; Hereditary Cancer Syndrome; Hereditary neoplastic syndrome. Identifiers: Orphanet 140162, MedGen C0027672, MeSH D009386, MONDO:0015356.

Submissions (2):

Labcorp Genetics (formerly Invitae), Labcorp
Classification: Uncertain significance for Ataxia-telangiectasia syndrome. Last evaluated: 2024-02-15. Review status: criteria provided, single submitter. Criteria: Invitae Variant Classification Sherloc (09022015). Collection method: clinical testing. Allele origin: germline.
Comment: This sequence change replaces valine, which is neutral and non-polar, with methionine, which is neutral and non-polar, at codon 152 of the ATM protein (p.Val152Met). This variant is not present in population databases (gnomAD no frequency). This variant has not been reported in the literature in individuals affected with ATM-related conditions. ClinVar contains an entry for this variant (Variation ID: 1741432). Algorithms developed to predict the effect of missense changes on protein structure and function output the following: SIFT: "Not Available"; PolyPhen-2: "Possibly Damaging"; Align-GVGD: "Not Available". The methionine amino acid residue is found in multiple mammalian species, which suggests that this missense change does not adversely affect protein function. In summary, the available evidence is currently insufficient to determine the role of this variant in disease. Therefore, it has been classified as a Variant of Uncertain Significance.

Ambry Genetics
Classification: Uncertain significance for Hereditary cancer-predisposing syndrome. Last evaluated: 2021-02-03. Review status: criteria provided, single submitter. Criteria: Ambry Variant Classification Scheme 2023. Collection method: clinical testing. Allele origin: germline.
Comment: The p.V152M variant (also known as c.454G>A), located in coding exon 4 of the ATM gene, results from a G to A substitution at nucleotide position 454. The valine at codon 152 is replaced by methionine, an amino acid with highly similar properties. This amino acid position is highly conserved in available vertebrate species. In addition, the in silico prediction for this alteration is inconclusive. Since supporting evidence is limited at this time, the clinical significance of this alteration remains unclear.

NM_000051.4(ATM):c.454G>A (p.Val152Met)

Gene: ATM (ATM serine/threonine kinase; plus strand). Cytogenetic location: 11q22.3.
Variant type: single nucleotide variant.
Coding change: c.454G>A on transcript NM_000051.4 (MANE Select); coding-DNA position 454, G replaced by A.
Protein change: p.Val152Met; replaces valine 152 with methionine.
Molecular consequence: missense variant.
Genome position (GRCh38, 1-based): chr11:108,235,792, G>A. VCF-style: chr11-108235792-G-A. GRCh37 (hg19) VCF-style: chr11-108106519-G-A.
Other names: c.454G>A, p.Val152Met (NM_001351834.2); short protein forms V152M.
Identifiers: ClinVar variation 1741432 (VCV001741432.4), dbSNP rs2135125090, ClinGen allele CA382525378.
Genomic context (GRCh38, chr11:108,235,792, plus strand): 5'-TCTAATGGTGCTATTTACGGAGCTGATTGTAGCAACATACTACTCAAAGACATTCTTTCT[G>A]TGAGAAAATACTGGTGTGAAATATCTCAGCAACAGTGGTTAGGTATGTTTTGAAGGTTGT-3'
Protein context (NP_000042.3, residues 142-162): SNILLKDILS[Val152Met]RKYWCEISQQ